The following is an entry in ClinVar:

NM_001303.4(COX10):c.*646C>A

Gene: COX10 (cytochrome c oxidase assembly factor heme A:farnesyltransferase COX10; plus strand). Cytogenetic location: 17p12.
Variant type: single nucleotide variant.
Coding change: c.*646C>A on transcript NM_001303.4 (MANE Select); 646 bases downstream of the stop codon, C replaced by A.
Molecular consequence: 3 prime UTR variant.
Genome position (GRCh38, 1-based): chr17:14,207,859, C>A. VCF-style: chr17-14207859-C-A. GRCh37 (hg19) VCF-style: chr17-14111176-C-A.
Identifiers: ClinVar variation 321831 (VCV000321831.7), dbSNP rs7214082, ClinGen allele CA10644886.
Genomic context (GRCh38, chr17:14,207,859, plus strand): 5'-TCCACATGTTTGCCTTGGGAGTCTCAAGCTGGACTGCCAGCCCCTGTCCTCCCTTCACCC[C>A]CATTGCGTATGAGCATTTCAGAACTCCAAGGAGTCACAGGCATCTTTATAGTTCACGTTA-3'

ClinVar aggregate classification (germline): Benign. Review status: criteria provided, multiple submitters, no conflicts (2 of 4 stars). 4 submissions from 3 submitters: Benign (4). Last evaluated 2021-05-12.

Conditions:
Mitochondrial complex IV deficiency, nuclear type 1 (MC4DN1). Also called: COX DEFICIENCY; Mitochondrial complex IV deficiency; Complex 4 mitochondrial respiratory chain deficiency; Deficiency of mitochondrial respiratory chain complex4; Complex IV deficiency. Identifiers: MedGen C5435656, MONDO:0700250, OMIM 220110. Disease mechanism: loss of function.
Leigh syndrome (NULS). Also called: Leigh Disease; Subacute necrotizing encephalopathy; Necrotizing encephalopathy infantile subacute of Leigh; Leigh's necrotizing encephalopathy; Leigh's disease; Leigh's syndrome. Identifiers: Orphanet 506, MedGen C2931891, MONDO:0009723, OMIM 256000.

Allele frequency attached by ClinVar (database versions not stated): TOPMed 0.15375; 1000 Genomes Project 30x 0.19222; 1000 Genomes Project 0.19948.
gnomAD v4.1: 24,860 of 152,648 alleles (16%); highest among the groups gnomAD compares: East Asian, 39%; 2,313 homozygotes.

Submissions (4):

GeneDx
Classification: Benign. Last evaluated: 2021-05-12. Review status: criteria provided, single submitter. Criteria: GeneDx Variant Classification Process June 2021. Collection method: clinical testing. Allele origin: germline. Affected: yes.

Illumina Laboratory Services, Illumina
Classification: Benign for Leigh syndrome. Last evaluated: 2018-01-12. Review status: criteria provided, single submitter. Criteria: ICSL Variant Classification Criteria 13 December 2019. Collection method: clinical testing. Allele origin: germline.
Comment: This variant was observed in the ICSL laboratory as part of a predisposition screen in an ostensibly healthy population. It had not been previously curated by ICSL or reported in the Human Gene Mutation Database (HGMD: prior to June 1st, 2018), and was therefore a candidate for classification through an automated scoring system. Utilizing variant allele frequency, disease prevalence and penetrance estimates, and inheritance mode, an automated score was calculated to assess if this variant is too frequent to cause the disease. Based on the score and internal cut-off values, a variant classified as benign is not then subjected to further curation. The score for this variant resulted in a classification of benign for this disease.

Illumina Laboratory Services, Illumina
Classification: Benign for Mitochondrial complex IV deficiency, nuclear type 1. Last evaluated: 2018-01-12. Review status: criteria provided, single submitter. Criteria: ICSL Variant Classification Criteria 13 December 2019. Collection method: clinical testing. Allele origin: germline.
Comment: the same text as in the submission from Illumina Laboratory Services, Illumina above.

Breakthrough Genomics
Classification: Benign. Review status: criteria provided, single submitter. Criteria: ACMG Guidelines, 2015. Collection method: not provided. Allele origin: germline. Inheritance: Autosomal recessive inheritance. Affected: yes.